The following is an entry in ClinVar:

NM_001197104.2(KMT2A):c.10304C>A (p.Thr3435Asn)

Gene: KMT2A (lysine methyltransferase 2A; plus strand). Cytogenetic location: 11q23.3.
Variant type: single nucleotide variant.
Coding change: c.10304C>A on transcript NM_001197104.2 (MANE Select); coding-DNA position 10304, C replaced by A.
Protein change: p.Thr3435Asn; replaces threonine 3435 with asparagine.
Molecular consequence: missense variant.
Genome position (GRCh38, 1-based): chr11:118,506,196, C>A. VCF-style: chr11-118506196-C-A. GRCh37 (hg19) VCF-style: chr11-118376911-C-A.
Other names: c.10394C>A, p.Thr3465Asn (NM_001412597.1); c.10295C>A, p.Thr3432Asn (NM_005933.4); short protein forms T3435N, T3432N, T3465N.
Identifiers: ClinVar variation 2016175 (VCV002016175.4), dbSNP rs2497029103, ClinGen allele CA382823253.

ClinVar aggregate classification (germline): Uncertain significance (1 of 4 stars; one submission).

Submission:

Labcorp Genetics (formerly Invitae), Labcorp
Classification: Uncertain significance. Last evaluated: 2025-08-18. Review status: criteria provided, single submitter. Criteria: Invitae Variant Classification Sherloc (09022015). Collection method: clinical testing. Allele origin: germline.
Comment: This sequence change replaces threonine, which is neutral and polar, with asparagine, which is neutral and polar, at codon 3435 of the KMT2A protein (p.Thr3435Asn). This variant is not present in population databases (gnomAD no frequency). This variant has not been reported in the literature in individuals affected with KMT2A-related conditions. ClinVar contains an entry for this variant (Variation ID: 2016175). Invitae Evidence Modeling of protein sequence and biophysical properties (such as structural, functional, and spatial information, amino acid conservation, physicochemical variation, residue mobility, and thermodynamic stability) indicates that this missense variant is not expected to disrupt KMT2A protein function with a negative predictive value of 95%. In summary, the available evidence is currently insufficient to determine the role of this variant in disease. Therefore, it has been classified as a Variant of Uncertain Significance.